The following is an entry in ClinVar:

ClinVar aggregate classification (germline): Uncertain significance. Review status: criteria provided, multiple submitters, no conflicts (2 of 4 stars). 2 submissions from 2 submitters: Uncertain significance (2). Last evaluated 2023-08-22.

Conditions:
Inborn genetic diseases. Identifiers: MedGen C0950123, MeSH D030342.
Peroxisome biogenesis disorder 12A (Zellweger). Also called: Peroxisome biogenesis disorder 12A. Identifiers: Orphanet 912, MedGen C3554002, MONDO:0013951, OMIM 614886.

Allele frequency attached by ClinVar (database versions not stated): gnomAD exomes 0.00001; ExAC 0.00002.
gnomAD v4.1: 22 of 1,613,834 alleles (0.0014%); highest among the groups gnomAD compares: African/African-American, 0.017%; no homozygotes.

Submissions (2):

Ambry Genetics
Classification: Uncertain significance for Inborn genetic diseases. Last evaluated: 2023-08-22. Review status: criteria provided, single submitter. Criteria: Ambry Variant Classification Scheme 2023. Collection method: clinical testing. Allele origin: germline.

Labcorp Genetics (formerly Invitae), Labcorp
Classification: Uncertain significance for Peroxisome biogenesis disorder 12A (Zellweger). Last evaluated: 2022-03-10. Review status: criteria provided, single submitter. Criteria: Invitae Variant Classification Sherloc (09022015). Collection method: clinical testing. Allele origin: germline.
Comment: This sequence change replaces aspartic acid, which is acidic and polar, with asparagine, which is neutral and polar, at codon 30 of the PEX19 protein (p.Asp30Asn). This variant is present in population databases (rs764990251, gnomAD 0.02%). This variant has not been reported in the literature in individuals affected with PEX19-related conditions. ClinVar contains an entry for this variant (Variation ID: 1056613). Algorithms developed to predict the effect of missense changes on protein structure and function are either unavailable or do not agree on the potential impact of this missense change (SIFT: "Tolerated"; PolyPhen-2: "Possibly Damaging"; Align-GVGD: "Class C0"). In summary, the available evidence is currently insufficient to determine the role of this variant in disease. Therefore, it has been classified as a Variant of Uncertain Significance.

NM_002857.4(PEX19):c.88G>A (p.Asp30Asn)

Gene: PEX19 (peroxisomal biogenesis factor 19; minus strand). Cytogenetic location: 1q23.2.
Variant type: single nucleotide variant.
Coding change: c.88G>A on transcript NM_002857.4 (MANE Select); coding-DNA position 88, G replaced by A.
Protein change: p.Asp30Asn; replaces aspartic acid 30 with asparagine.
Molecular consequence: missense variant. On other transcripts: non-coding transcript variant (1).
Genome position (GRCh38, 1-based): chr1:160,283,622, C>T on the plus strand (G>A on the coding strand, the complement: PEX19 is on the minus strand). VCF-style: chr1-160283622-C-T. GRCh37 (hg19) VCF-style: chr1-160253412-C-T.
Other names: c.88G>A, p.Asp30Asn (NM_001193644.1); c.88G>A (NM_002857.3); short protein forms D30N.
Identifiers: ClinVar variation 1056613 (VCV001056613.7), dbSNP rs764990251, ClinGen allele CA1197474.